The following is an entry in ClinVar:

NM_004104.5(FASN):c.1558A>G (p.Ile520Val)

Gene: FASN (fatty acid synthase; minus strand). Cytogenetic location: 17q25.3.
Variant type: single nucleotide variant.
Coding change: c.1558A>G on transcript NM_004104.5 (MANE Select); coding-DNA position 1558, A replaced by G.
Protein change: p.Ile520Val; replaces isoleucine 520 with valine.
Molecular consequence: missense variant.
Genome position (GRCh38, 1-based): chr17:82,091,004, T>C on the plus strand (A>G on the coding strand, the complement: FASN is on the minus strand). VCF-style: chr17-82091004-T-C. GRCh37 (hg19) VCF-style: chr17-80048880-T-C.
Other names: short protein forms I520V.
Identifiers: ClinVar variation 1462867 (VCV001462867.8), dbSNP rs1401477268, ClinGen allele CA401560192.
Genomic context (GRCh38, chr17:82,091,004, plus strand): 5'-TCAGCAGCAGCTGTGACACCTTCAGGCCGAATGGCTTCACAGCCTCATCGGAGCGTAGGA[T>C]GGAATCTCGGAAGCGGTCCAGGCGCATGAGGCTCAGCCCCATCCCGCGCCACTGTGTGCC-3'
Protein context (NP_004095.4, residues 510-530): LMRLDRFRDS[Ile520Val]LRSDEAVKPF

ClinVar aggregate classification (germline): Uncertain significance (1 of 4 stars; one submission).

Conditions:
Epileptic encephalopathy. Identifiers: MedGen C0543888, HP:0200134.

Allele frequency attached by ClinVar (database versions not stated): TOPMed below 0.00001.

Submission:

Labcorp Genetics (formerly Invitae), Labcorp
Classification: Uncertain significance for Epileptic encephalopathy. Last evaluated: 2020-12-28. Review status: criteria provided, single submitter. Criteria: Invitae Variant Classification Sherloc (09022015). Collection method: clinical testing. Allele origin: germline.
Comment: This sequence change replaces isoleucine with valine at codon 520 of the FASN protein (p.Ile520Val). The isoleucine residue is highly conserved and there is a small physicochemical difference between isoleucine and valine. In summary, the available evidence is currently insufficient to determine the role of this variant in disease. Therefore, it has been classified as a Variant of Uncertain Significance. Algorithms developed to predict the effect of missense changes on protein structure and function are either unavailable or do not agree on the potential impact of this missense change (SIFT: "Tolerated"; PolyPhen-2: "Possibly Damaging"; Align-GVGD: "Class C0"). This variant has not been reported in the literature in individuals with FASN-related conditions. This variant is not present in population databases (ExAC no frequency).